The following is an entry in ClinVar:

NM_177924.5(ASAH1):c.*124T>A

Gene: ASAH1 (N-acylsphingosine amidohydrolase 1; minus strand). Cytogenetic location: 8p22.
Variant type: single nucleotide variant.
Coding change: c.*124T>A on transcript NM_177924.5 (MANE Select); 124 bases downstream of the stop codon, T replaced by A.
Molecular consequence: 3 prime UTR variant.
Genome position (GRCh38, 1-based): chr8:18,057,410, A>T on the plus strand (T>A on the coding strand, the complement: ASAH1 is on the minus strand). VCF-style: chr8-18057410-A-T. GRCh37 (hg19) VCF-style: chr8-17914919-A-T.
Other names: c.*124T>A (NM_001127505.3, NM_001363743.2, NM_004315.6).
Identifiers: ClinVar variation 362372 (VCV000362372.11), dbSNP rs417661, ClinGen allele CA10625097.

ClinVar aggregate classification (germline): Benign. Review status: criteria provided, multiple submitters, no conflicts (2 of 4 stars). 5 submissions from 4 submitters: Benign (5). Last evaluated 2021-07-14.

Conditions:
Spinal muscular atrophy-progressive myoclonic epilepsy syndrome. Also called: Spinal Muscular Atrophy with Progressive Myoclonic Epilepsy (SMA-PME); MYOCLONUS, HEREDITARY, WITH PROGRESSIVE DISTAL MUSCULAR ATROPHY; Hereditary myoclonus and progressive distal muscular atrophy; Spinal muscular atrophy with progressive myoclonic epilepsy. Identifiers: Orphanet 2590, MedGen C1834569, MONDO:0008045, OMIM 159950.
Farber lipogranulomatosis (FRBRL). Also called: Farber's lipogranulomatosis; Farber's disease; Farber disease; AC DEFICIENCY; ACID CERAMIDASE DEFICIENCY; CERAMIDASE DEFICIENCY. Identifiers: Orphanet 333, MedGen C0268255, MONDO:0009218, OMIM 228000.

Allele frequency attached by ClinVar (database versions not stated): gnomAD 0.25396 and 0.25434; TOPMed 0.27671; 1000 Genomes Project 0.36422; 1000 Genomes Project 30x 0.36899.
gnomAD v4.1: 108,832 of 657,682 alleles (17%); highest among the groups gnomAD compares: African/African-American, 61%; 18,152 homozygotes.

Submissions (5):

Genome-Nilou Lab
Classification: Benign for Farber lipogranulomatosis. Last evaluated: 2021-07-14. Review status: criteria provided, single submitter. Criteria: ACMG Guidelines, 2015. Collection method: clinical testing. Allele origin: germline. Affected: no.

Genome-Nilou Lab
Classification: Benign for Spinal muscular atrophy-progressive myoclonic epilepsy syndrome. Last evaluated: 2021-07-14. Review status: criteria provided, single submitter. Criteria: ACMG Guidelines, 2015. Collection method: clinical testing. Allele origin: germline. Affected: no.

GeneDx
Classification: Benign. Last evaluated: 2018-07-06. Review status: criteria provided, single submitter. Criteria: GeneDx Variant Classification Process June 2021. Collection method: clinical testing. Allele origin: germline. Affected: yes.

Illumina Laboratory Services, Illumina
Classification: Benign for Farber lipogranulomatosis. Last evaluated: 2018-01-13. Review status: criteria provided, single submitter. Criteria: ICSL Variant Classification Criteria 13 December 2019. Collection method: clinical testing. Allele origin: germline.
Comment: This variant was observed in the ICSL laboratory as part of a predisposition screen in an ostensibly healthy population. It had not been previously curated by ICSL or reported in the Human Gene Mutation Database (HGMD: prior to June 1st, 2018), and was therefore a candidate for classification through an automated scoring system. Utilizing variant allele frequency, disease prevalence and penetrance estimates, and inheritance mode, an automated score was calculated to assess if this variant is too frequent to cause the disease. Based on the score and internal cut-off values, a variant classified as benign is not then subjected to further curation. The score for this variant resulted in a classification of benign for this disease.

Breakthrough Genomics
Classification: Benign. Review status: criteria provided, single submitter. Criteria: ACMG Guidelines, 2015. Collection method: not provided. Allele origin: germline. Inheritance: Autosomal recessive inheritance. Affected: yes.